The following is an entry in ClinVar:

ClinVar aggregate classification (germline): Uncertain significance (1 of 4 stars; one submission).

Conditions:
Hereditary cancer-predisposing syndrome. Also called: Hereditary Cancer Syndrome; Neoplastic Syndromes, Hereditary; Tumor predisposition; Hereditary neoplastic syndrome. Identifiers: Orphanet 140162, MedGen C0027672, MeSH D009386, MONDO:0015356.

Submission:

Ambry Genetics
Classification: Uncertain significance for Hereditary cancer-predisposing syndrome. Last evaluated: 2026-07-06. Review status: criteria provided, single submitter. Criteria: Ambry Variant Classification Scheme 2023. Collection method: clinical testing. Allele origin: germline.
Comment: The p.Y1682H variant (also known as c.5044T>C), located in coding exon 22 of the DICER1 gene, results from a T to C substitution at nucleotide position 5044. The tyrosine at codon 1682 is replaced by histidine, an amino acid with similar properties. This amino acid position is conserved. In addition, this alteration is predicted to be deleterious by in silico analysis. Based on the available evidence, the clinical significance of this variant remains unclear.

NM_177438.3(DICER1):c.5044T>C (p.Tyr1682His)

Gene: DICER1 (dicer 1, ribonuclease III; minus strand). Cytogenetic location: 14q32.13.
Variant type: single nucleotide variant.
Coding change: c.5044T>C on transcript NM_177438.3 (MANE Select); coding-DNA position 5044, T replaced by C.
Protein change: p.Tyr1682His; replaces tyrosine 1682 with histidine.
Molecular consequence: missense variant. On other transcripts: non-coding transcript variant (6).
Genome position (GRCh38, 1-based): chr14:95,095,876, A>G on the plus strand (T>C on the coding strand, the complement: DICER1 is on the minus strand). VCF-style: chr14-95095876-A-G. GRCh37 (hg19) VCF-style: chr14-95562213-A-G.
Other names: c.5044T>C, p.Tyr1682His (NM_001395692.1, NM_001395693.1, NM_001395694.1 and 12 more transcripts); c.4639T>C, p.Tyr1547His (NM_001395696.1, NM_001395687.1, NM_001395688.1 and 2 more transcripts); c.3361T>C, p.Tyr1121His (NM_001395697.1); c.4762T>C, p.Tyr1588His (NM_001395686.1); c.4477T>C, p.Tyr1493His (NM_001395691.1); short protein forms Y1682H, Y1121H, Y1547H, Y1588H, Y1493H.
Identifiers: ClinVar variation 5035253 (VCV005035253.1).
Genomic context (GRCh38, chr14:95,095,876, plus strand): 5'-GCTCCTTACCAGTGATAGTATTGTAGTGGTAGGAGGCATGTGTAAAAGCCTGGAGAAGGT[A>G]AGCCTTATTCTTGAATCTGTAGTTGATTTTCTTTTCAAAATTTTCAAACCCCGATATAAG-3'
Protein context (NP_803187.1, residues 1672-1692): KINYRFKNKA[Tyr1682His]LLQAFTHASY